The following is an entry in ClinVar:

ClinVar aggregate classification (germline): Benign. Review status: criteria provided, multiple submitters, no conflicts (2 of 4 stars). 10 submissions from 10 submitters: Benign (7). 3 of the submissions do not count toward it. Last evaluated 2026-02-04.

Conditions:
Acyl-CoA dehydrogenase 9 deficiency. Also called: Acyl-CoA dehydrogenase family, member 9, deficiency of; MITOCHONDRIAL COMPLEX I DEFICIENCY, NUCLEAR TYPE 20. Identifiers: Orphanet 99901, MedGen C4747517, MONDO:0012624, OMIM 611126.
ACAD9-related disorder. Also called: ACAD9-related condition.

Allele frequency attached by ClinVar (database versions not stated): gnomAD exomes 0.32393 and 0.36982; ExAC 0.37515; ESP Exome Variant Server 0.43411; gnomAD 0.43459 and 0.43618; TOPMed 0.45616; 1000 Genomes Project 0.51817; 1000 Genomes Project 30x 0.51889.
gnomAD v4.1: 541,042 of 1,613,216 alleles (34%); highest among the groups gnomAD compares: African/African-American, 72%; 99,470 homozygotes.

Submissions (10):

Labcorp Genetics (formerly Invitae), Labcorp
Classification: Benign. Last evaluated: 2026-02-04. Review status: criteria provided, single submitter. Criteria: Invitae Variant Classification Sherloc (09022015). Collection method: clinical testing. Allele origin: germline.

Blueprint Genetics
Classification: Benign. Last evaluated: 2024-11-26. Review status: criteria provided, single submitter. Criteria: ACMG Guidelines, 2015. Collection method: clinical testing. Allele origin: germline.

Genome-Nilou Lab
Classification: Benign for Acyl-CoA dehydrogenase 9 deficiency. Last evaluated: 2021-07-10. Review status: criteria provided, single submitter. Criteria: ACMG Guidelines, 2015. Collection method: clinical testing. Allele origin: germline. Affected: no.

Illumina Laboratory Services, Illumina
Classification: Benign for Acyl-CoA dehydrogenase 9 deficiency. Last evaluated: 2018-01-13. Review status: criteria provided, single submitter. Criteria: ICSL Variant Classification Criteria 13 December 2019. Collection method: clinical testing. Allele origin: germline.
Comment: This variant was observed in the ICSL laboratory as part of a predisposition screen in an ostensibly healthy population. It had not been previously curated by ICSL or reported in the Human Gene Mutation Database (HGMD: prior to June 1st, 2018), and was therefore a candidate for classification through an automated scoring system. Utilizing variant allele frequency, disease prevalence and penetrance estimates, and inheritance mode, an automated score was calculated to assess if this variant is too frequent to cause the disease. Based on the score and internal cut-off values, a variant classified as benign is not then subjected to further curation. The score for this variant resulted in a classification of benign for this disease.

GeneDx
Classification: Benign. Last evaluated: 2015-03-03. Review status: criteria provided, single submitter. Criteria: GeneDx Variant Classification Process June 2021. Collection method: clinical testing. Allele origin: germline. Affected: yes.

Eurofins Ntd Llc (ga)
Classification: Benign. Last evaluated: 2014-04-25. Review status: criteria provided, single submitter. Criteria: EGL Classification Definitions 2015. Collection method: clinical testing. Allele origin: germline. Observed: 4 variant alleles, 2 heterozygotes, 2 homozygotes.

Breakthrough Genomics
Classification: Benign. Review status: criteria provided, single submitter. Criteria: ACMG Guidelines, 2015. Collection method: not provided. Allele origin: germline. Inheritance: Autosomal recessive inheritance. Affected: yes.

PreventionGenetics, part of Exact Sciences
Classification: Benign for ACAD9-related condition. Last evaluated: 2020-04-02. Review status: no assertion criteria provided. Collection method: clinical testing. Allele origin: germline. Not counted in ClinVar's aggregate classification.
Comment: This variant is classified as benign based on ACMG/AMP sequence variant interpretation guidelines (Richards et al. 2015 PMID: 25741868, with internal and published modifications).

Natera, Inc.
Classification: Benign for ACAD9 deficiency. Last evaluated: 2019-11-19. Review status: no assertion criteria provided. Collection method: clinical testing. Allele origin: germline. Not counted in ClinVar's aggregate classification.

Mayo Clinic Laboratories, Mayo Clinic
Classification: Benign. Last evaluated: 2016-02-19. Review status: no assertion criteria provided. Collection method: clinical testing. Allele origin: unknown. Not counted in ClinVar's aggregate classification.

NM_014049.5(ACAD9):c.1279-7A>G

Gene: ACAD9 (acyl-CoA dehydrogenase family member 9; plus strand). Cytogenetic location: 3q21.3.
Variant type: single nucleotide variant.
Coding change: c.1279-7A>G on transcript NM_014049.5 (MANE Select); 7 bases into the intron before coding-DNA position 1279, A replaced by G.
Molecular consequence: intron variant.
Genome position (GRCh38, 1-based): chr3:128,908,178, A>G. VCF-style: chr3-128908178-A-G. GRCh37 (hg19) VCF-style: chr3-128627021-A-G.
Identifiers: ClinVar variation 166636 (VCV000166636.29), dbSNP rs1683787, ClinGen allele CA179706.